The following is an entry in ClinVar:

ClinVar aggregate classification (germline): Uncertain significance (1 of 4 stars; one submission).

Conditions:
Mesangiocapillary glomerulonephritis. Also called: Membranoproliferative glomerulonephritis. Identifiers: MedGen C0017662, MONDO:0002461, HP:0000793.

Submission:

Genomenon, Inc
Classification: Uncertain significance for Primary membranoproliferative glomerulonephritis. Last evaluated: 2026-09-17. Review status: criteria provided, single submitter. Criteria: Genomenon Sequence Variant Interpretation Standards - Updated. Collection method: curation. Allele origin: germline. Affected: yes.
Comment: DGKE p.Tyr544Ter (c.1632T>G) is a nonsense variant that introduces a premature stop codon at amino acid position 544 and is predicted to result in a truncated or absent protein product. This variant has been observed in at least one proband affected with membranoproliferative glomerulonephritis (PMID:25349199). It is absent or not present at a significant frequency in gnomAD. In conclusion, we classify DGKE p.Tyr544Ter (c.1632T>G) as a variant of uncertain significance.

Literature cited by the submitters: PubMed 25349199.

NM_003647.3(DGKE):c.1632T>G (p.Tyr544Ter)

Gene: DGKE (diacylglycerol kinase epsilon; plus strand). Cytogenetic location: 17q22.
Variant type: single nucleotide variant.
Coding change: c.1632T>G on transcript NM_003647.3 (MANE Select); coding-DNA position 1632, T replaced by G.
Protein change: p.Tyr544Ter; replaces tyrosine 544 with a stop codon.
Molecular consequence: nonsense.
Genome position (GRCh38, 1-based): chr17:56,862,719, T>G. VCF-style: chr17-56862719-T-G. GRCh37 (hg19) VCF-style: chr17-54940080-T-G.
Other names: short protein forms Y544*.
Identifiers: ClinVar variation 4976841 (VCV004976841.1).